The following is an entry in ClinVar:

NM_001199397.3(NEK1):c.2045C>T (p.Pro682Leu)

Gene: NEK1 (NIMA related kinase 1; minus strand). Cytogenetic location: 4q33.
Variant type: single nucleotide variant.
Coding change: c.2045C>T on transcript NM_001199397.3 (MANE Select); coding-DNA position 2045, C replaced by T.
Protein change: p.Pro682Leu; replaces proline 682 with leucine.
Molecular consequence: missense variant. On other transcripts: non-coding transcript variant (1).
Genome position (GRCh38, 1-based): chr4:169,479,497, G>A on the plus strand (C>T on the coding strand, the complement: NEK1 is on the minus strand). VCF-style: chr4-169479497-G-A. GRCh37 (hg19) VCF-style: chr4-170400648-G-A.
Other names: c.1913C>T, p.Pro638Leu (NM_001199398.3); c.1754C>T, p.Pro585Leu (NM_001199399.3); c.1829C>T, p.Pro610Leu (NM_001199400.3); c.2045C>T, p.Pro682Leu (NM_001374418.1); c.1961C>T, p.Pro654Leu (NM_001374419.1, NM_012224.4); c.1910C>T, p.Pro637Leu (NM_001374420.1); c.1739C>T, p.Pro580Leu (NM_001374421.1); c.1961C>T (NM_012224.2); short protein forms P580L, P585L, P610L, P637L, P638L, P654L, P682L.
Identifiers: ClinVar variation 994132 (VCV000994132.12), dbSNP rs779634939, ClinGen allele CA3137529.

ClinVar aggregate classification (germline): Uncertain significance. Review status: criteria provided, multiple submitters, no conflicts (2 of 4 stars). 3 submissions from 3 submitters: Uncertain significance (3). Last evaluated 2025-05-22.

Conditions:
Short-rib thoracic dysplasia 6 with or without polydactyly (SRTD6). Also called: POLYDACTYLY WITH NEONATAL CHONDRODYSTROPHY, TYPE II; SHORT RIB-POLYDACTYLY SYNDROME, TYPE IIA; Majewski Syndrome; SHORT-RIB THORACIC DYSPLASIA 6 WITH POLYDACTYLY; SHORT-RIB THORACIC DYSPLASIA 6 WITHOUT POLYDACTYLY. Identifiers: MedGen C0024507, MONDO:0009894, OMIM 263520.
Inborn genetic diseases. Identifiers: MedGen C0950123, MeSH D030342.

Allele frequency attached by ClinVar (database versions not stated): ExAC 0.00003; gnomAD exomes 0.00004 and 0.00006; gnomAD 0.00005; TOPMed 0.00006.
gnomAD v4.1: 91 of 1,610,224 alleles (0.0057%); highest among the groups gnomAD compares: Non-Finnish European, 0.0076%; no homozygotes.

Submissions (3):

Labcorp Genetics (formerly Invitae), Labcorp
Classification: Uncertain significance for Short-rib thoracic dysplasia 6 with or without polydactyly. Last evaluated: 2025-05-22. Review status: criteria provided, single submitter. Criteria: Invitae Variant Classification Sherloc (09022015). Collection method: clinical testing. Allele origin: germline.
Comment: This sequence change replaces proline, which is neutral and non-polar, with leucine, which is neutral and non-polar, at codon 654 of the NEK1 protein (p.Pro654Leu). This variant is present in population databases (rs779634939, gnomAD 0.01%). This variant has not been reported in the literature in individuals affected with NEK1-related conditions. ClinVar contains an entry for this variant (Variation ID: 994132). Invitae Evidence Modeling of protein sequence and biophysical properties (such as structural, functional, and spatial information, amino acid conservation, physicochemical variation, residue mobility, and thermodynamic stability) indicates that this missense variant is not expected to disrupt NEK1 protein function with a negative predictive value of 80%. In summary, the available evidence is currently insufficient to determine the role of this variant in disease. Therefore, it has been classified as a Variant of Uncertain Significance.

Ambry Genetics
Classification: Uncertain significance for Inborn genetic diseases. Last evaluated: 2024-04-23. Review status: criteria provided, single submitter. Criteria: Ambry Variant Classification Scheme 2023. Collection method: clinical testing. Allele origin: germline.

ARUP Laboratories, Molecular Genetics and Genomics, ARUP Laboratories
Classification: Uncertain significance. Last evaluated: 2020-04-17. Review status: criteria provided, single submitter. Criteria: ARUP Molecular Germline Variant Investigation Process. Collection method: clinical testing. Allele origin: germline.
Comment: The NEK1 c.1961C>T; p.Pro654Leu variant (rs779634939), to our knowledge, is not reported in the medical literature or gene-specific databases. This variant is found in the non-Finnish European population with an overall allele frequency of 0.01% (13/127624 alleles) in the Genome Aggregation Database. The proline at codon 654 is highly conserved, but computational analyses (SIFT, PolyPhen-2) predict that this variant is tolerated. However, due to limited information, the clinical significance of the p.Pro654Leu variant is uncertain at this time.